The following is an entry in ClinVar:

NC_000003.12:g.169764964A>C

Genes: TERC (telomerase RNA component; minus strand), LOC110806306 (telomerase RNA component (TERC) promoter; plus strand). Cytogenetic location: 3q26.2.
Variant type: single nucleotide variant.
Genome position: GRCh38 VCF-style: chr3-169764964-A-C. GRCh37 (hg19) VCF-style: chr3-169482752-A-C.
Identifiers: ClinVar variation 1003718 (VCV001003718.9), dbSNP rs1777963567, ClinGen allele CA436715813.

ClinVar aggregate classification (germline): Uncertain significance (1 of 4 stars; one submission).

Conditions:
Dyskeratosis congenita, autosomal dominant 1 (DKCA1). Also called: Dyskeratosis congenita Scoggins type. Identifiers: Orphanet 1775, MedGen C4551974, MONDO:0007485, OMIM 127550. Inheritance: Variable.

Submission:

Labcorp Genetics (formerly Invitae), Labcorp
Classification: Uncertain significance for Dyskeratosis congenita, autosomal dominant 1. Last evaluated: 2020-03-18. Review status: criteria provided, single submitter. Criteria: Invitae Variant Classification Sherloc (09022015). Collection method: clinical testing. Allele origin: germline.
Comment: This variant occurs in the TERC gene, which encodes an RNA molecule that does not result in a protein product. This variant is not present in population databases (ExAC no frequency). This variant has not been reported in the literature in individuals with TERC-related conditions. This variant is located within the template/pseudoknot domain of the TERC RNA component, which is required for RNA or RNP stability (PMID: 15082312, 21844345). Functional studies testing the effect of this variant on TERC secondary structure or function have not been reported. In summary, the available evidence is currently insufficient to determine the role of this variant in disease. Therefore, it has been classified as a Variant of Uncertain Significance.

Literature cited by the submitters: PubMed 15082312; PubMed 21844345.